The following is an entry in ClinVar:

NM_004655.4(AXIN2):c.1554C>T (p.Tyr518=)

Gene: AXIN2 (axin 2; minus strand). Cytogenetic location: 17q24.1.
Variant type: single nucleotide variant.
Coding change: c.1554C>T on transcript NM_004655.4 (MANE Select); coding-DNA position 1554, C replaced by T.
Protein change: p.Tyr518=; no amino-acid change (tyrosine 518 retained).
Molecular consequence: synonymous variant.
Genome position (GRCh38, 1-based): chr17:65,537,482, G>A on the plus strand (C>T on the coding strand, the complement: AXIN2 is on the minus strand). VCF-style: chr17-65537482-G-A. GRCh37 (hg19) VCF-style: chr17-63533600-G-A.
Other names: c.1554C>T, p.Tyr518= (NM_001363813.1).
Identifiers: ClinVar variation 1143288 (VCV001143288.13), dbSNP rs2043949599, ClinGen allele CA501691279.

ClinVar aggregate classification (germline): Benign/Likely benign. Review status: criteria provided, multiple submitters, no conflicts (2 of 4 stars). 4 submissions from 4 submitters: Benign (1); Likely benign (3). Last evaluated 2024-07-03.

Conditions:
Hereditary cancer-predisposing syndrome. Also called: Hereditary Cancer Syndrome; Neoplastic Syndromes, Hereditary; Hereditary neoplastic syndrome; Tumor predisposition. Identifiers: Orphanet 140162, MedGen C0027672, MeSH D009386, MONDO:0015356.
Oligodontia-cancer predisposition syndrome. Also called: TOOTH AGENESIS-COLORECTAL CANCER SYNDROME. Identifiers: Orphanet 300576, MedGen C1837750, MONDO:0012075, OMIM 608615. Disease mechanism: loss of function.

Allele frequency attached by ClinVar (database versions not stated): gnomAD exomes below 0.00001; TOPMed 0.00001.
gnomAD v4.1: 6 of 1,613,944 alleles (0.00037%); highest among the groups gnomAD compares: Non-Finnish European, 0.00051%; no homozygotes.

Submissions (4):

Labcorp Genetics (formerly Invitae), Labcorp
Classification: Likely benign for Oligodontia-cancer predisposition syndrome. Last evaluated: 2024-07-03. Review status: criteria provided, single submitter. Criteria: Invitae Variant Classification Sherloc (09022015). Collection method: clinical testing. Allele origin: germline.

Myriad Genetics, Inc.
Classification: Benign for Oligodontia-cancer predisposition syndrome. Last evaluated: 2024-07-03. Review status: criteria provided, single submitter. Criteria: Myriad Autosomal Dominant, Autosomal Recessive and X-Linked Classification Criteria (2023). Collection method: clinical testing. Allele origin: unknown.
Comment: This variant is considered benign. This variant is a silent/synonymous amino acid change and it is not expected to impact splicing.

Ambry Genetics
Classification: Likely benign for Hereditary cancer-predisposing syndrome. Last evaluated: 2020-12-21. Review status: criteria provided, single submitter. Criteria: Ambry Variant Classification Scheme 2023. Collection method: clinical testing. Allele origin: germline.

GeneDx
Classification: Likely benign. Last evaluated: 2018-11-20. Review status: criteria provided, single submitter. Criteria: GeneDx Variant Classification Process June 2021. Collection method: clinical testing. Allele origin: germline. Affected: yes.